The following is an entry in ClinVar:

NM_004562.3(PRKN):c.1017G>A (p.Ala339=)

Gene: PRKN (parkin RBR E3 ubiquitin protein ligase; minus strand). Cytogenetic location: 6q26.
Variant type: single nucleotide variant.
Coding change: c.1017G>A on transcript NM_004562.3 (MANE Select); coding-DNA position 1017, G replaced by A.
Protein change: p.Ala339=; no amino-acid change (alanine 339 retained).
Molecular consequence: synonymous variant.
Genome position (GRCh38, 1-based): chr6:161,548,920, C>T on the plus strand (G>A on the coding strand, the complement: PRKN is on the minus strand). VCF-style: chr6-161548920-C-T. GRCh37 (hg19) VCF-style: chr6-161969952-C-T.
Other names: c.933G>A, p.Ala311= (NM_013987.3); c.570G>A, p.Ala190= (NM_013988.3).
Identifiers: ClinVar variation 199099 (VCV000199099.16), dbSNP rs546676036, ClinGen allele CA203750.

ClinVar aggregate classification (germline): Benign/Likely benign. Review status: criteria provided, multiple submitters, no conflicts (2 of 4 stars). 3 submissions from 3 submitters: Benign (2); Likely benign (1). Last evaluated 2026-02-01.

Allele frequency attached by ClinVar (database versions not stated): gnomAD 0.00003 and 0.00027; TOPMed 0.00006; gnomAD exomes 0.00112; ExAC 0.00135; 1000 Genomes Project 30x 0.00219; 1000 Genomes Project 0.00260.
gnomAD v4.1: 810 of 1,614,182 alleles (0.05%); highest among the groups gnomAD compares: South Asian, 0.8%; 10 homozygotes.

Submissions (3):

CeGaT Center for Human Genetics Tuebingen
Classification: Likely benign. Last evaluated: 2026-02-01. Review status: criteria provided, single submitter. Criteria: CeGaT Center For Human Genetics Tuebingen Variant Classification Criteria Version 2. Collection method: clinical testing. Allele origin: germline. Affected: yes. Observed: 1 variant allele.
Comment: PRKN: BP4, BP7

Labcorp Genetics (formerly Invitae), Labcorp
Classification: Benign. Last evaluated: 2024-11-05. Review status: criteria provided, single submitter. Criteria: Invitae Variant Classification Sherloc (09022015). Collection method: clinical testing. Allele origin: germline.

Eurofins Ntd Llc (ga)
Classification: Benign. Last evaluated: 2015-05-29. Review status: criteria provided, single submitter. Criteria: EGL Classification Definitions 2015. Collection method: clinical testing. Allele origin: germline. Observed: 1 variant allele, 1 heterozygote.